The following is an entry in ClinVar:

ClinVar aggregate classification (germline): Pathogenic (1 of 4 stars; one submission).

Conditions:
Baller-Gerold syndrome (BGS). Also called: CRANIOSYNOSTOSIS WITH RADIAL DEFECTS. Identifiers: Orphanet 1225, MedGen C0265308, MONDO:0009039, OMIM 218600.

Submission:

Labcorp Genetics (formerly Invitae), Labcorp
Classification: Pathogenic for Baller-Gerold syndrome. Last evaluated: 2025-10-06. Review status: criteria provided, single submitter. Criteria: Invitae Variant Classification Sherloc (09022015). Collection method: clinical testing. Allele origin: germline.
Comment: This sequence change creates a premature translational stop signal (p.Thr943Ilefs*6) in the RECQL4 gene. It is expected to result in an absent or disrupted protein product. Loss-of-function variants in RECQL4 are known to be pathogenic (PMID: 12734318, 12952869). This variant is not present in population databases (gnomAD no frequency). This variant has not been reported in the literature in individuals affected with RECQL4-related conditions. For these reasons, this variant has been classified as Pathogenic.

Literature cited by the submitters: PubMed 12734318; PubMed 12952869.

NM_004260.4(RECQL4):c.2826_2827dup (p.Thr943fs)

Gene: RECQL4 (RecQ like helicase 4; minus strand). Cytogenetic location: 8q24.3.
Variant type: Microsatellite.
Coding change: c.2826_2827dup on transcript NM_004260.4 (MANE Select); coding-DNA positions 2826 to 2827, 2 bases duplicated (TA; older notation c.2826_2827dupTA).
Protein change: p.Thr943fs; shifts the reading frame from threonine 943.
Molecular consequence: frameshift variant.
Genome position (GRCh38, 1-based): chr8:144,512,700-144,512,701, TA duplicated on the plus strand (TA on the coding strand, the reverse complement: RECQL4 is on the minus strand); duplicating any 2 consecutive bases within chr8:144,512,700-144,512,703 gives the same sequence; the c. name uses the placement nearest the transcript's 3' end. VCF-style (leftmost placement, unchanged base first): chr8-144512699-G-GTA. GRCh37 (hg19) VCF-style: chr8-145738082-G-GTA.
Other names: c.1753_1754TA[3], p.Thr586Ilefs (NM_001413022.1, NM_001413024.1, NM_001413021.1 and 4 more transcripts); c.1828_1829TA[3], p.Thr611Ilefs (NM_001413023.1); c.2530_2531TA[3], p.Thr845Ilefs (NM_001413017.1); c.2626_2627TA[3], p.Thr877Ilefs (NM_001413018.1); c.2899_2900TA[3], p.Thr968Ilefs (NM_001413019.1); c.2695_2696TA[3], p.Thr900Ilefs (NM_001413025.1); c.1687_1688TA[3], p.Thr564Ilefs (NM_001413027.1, NM_001413030.1, NM_001413032.1); c.2728_2729TA[3], p.Thr911Ilefs (NM_001413020.1); and 9 more; short protein forms T943fs.
Identifiers: ClinVar variation 2106799 (VCV002106799.4), dbSNP rs2537991796, ClinGen allele CA2580616138.
Genomic context (GRCh38, chr8:144,512,699, plus strand): 5'-TACCTGTGGGCCAGGGCCTGGAGCTGGGCAGGGCCCCCAGGGCAGTTCAGACGGCAATGG[G>GTA]TATAGGTGGTCGCCAGCAGCTCCAGCCAGTGGTGTGGGTGCAGCTCCAGGTAGCACAGCA-3'